The following is an entry in ClinVar:

NM_004100.5(EYA4):c.304C>G (p.Pro102Ala)

Genes: EYA4-AS2 (EYA4 antisense RNA 2; minus strand), EYA4 (EYA transcriptional coactivator and phosphatase 4; plus strand). Cytogenetic location: 6q23.2.
Variant type: single nucleotide variant.
Coding change: c.304C>G on transcript NM_004100.5 (MANE Select); coding-DNA position 304, C replaced by G.
Protein change: p.Pro102Ala; replaces proline 102 with alanine.
Molecular consequence: missense variant. On other transcripts: intron variant (2).
Genome position (GRCh38, 1-based): chr6:133,456,582, C>G. VCF-style: chr6-133456582-C-G. GRCh37 (hg19) VCF-style: chr6-133777720-C-G.
Other names: c.304C>G, p.Pro102Ala (NM_001301013.2, NM_172105.4); c.235C>G, p.Pro79Ala (NM_001370458.1, NM_172103.4); c.209-4532C>G (NM_001370459.1, NM_001301012.2); short protein forms P102A, P79A.
Identifiers: ClinVar variation 2116684 (VCV002116684.4), dbSNP rs756612363, ClinGen allele CA365694306.

ClinVar aggregate classification (germline): Uncertain significance (1 of 4 stars; one submission).

Conditions:
Dilated cardiomyopathy 1J (CMD1J). Also called: CARDIOMYOPATHY, DILATED, WITH SENSORINEURAL HEARING LOSS, AUTOSOMAL DOMINANT. Identifiers: Orphanet 217622, MedGen C1854368, MONDO:0011541, OMIM 605362.

Submission:

Labcorp Genetics (formerly Invitae), Labcorp
Classification: Uncertain significance for Dilated cardiomyopathy 1J. Last evaluated: 2022-03-25. Review status: criteria provided, single submitter. Criteria: Invitae Variant Classification Sherloc (09022015). Collection method: clinical testing. Allele origin: germline.
Comment: In summary, the available evidence is currently insufficient to determine the role of this variant in disease. Therefore, it has been classified as a Variant of Uncertain Significance. Algorithms developed to predict the effect of missense changes on protein structure and function are either unavailable or do not agree on the potential impact of this missense change (SIFT: "Tolerated"; PolyPhen-2: "Probably Damaging"; Align-GVGD: "Class C0"). This variant has not been reported in the literature in individuals affected with EYA4-related conditions. This variant is not present in population databases (gnomAD no frequency). This sequence change replaces proline, which is neutral and non-polar, with alanine, which is neutral and non-polar, at codon 102 of the EYA4 protein (p.Pro102Ala).